The following is an entry in ClinVar:

NM_002976.4(SCN7A):c.4508C>T (p.Ser1503Phe)

Gene: SCN7A (sodium voltage-gated channel alpha subunit 7; minus strand). Cytogenetic location: 2q24.3.
Variant type: single nucleotide variant.
Coding change: c.4508C>T on transcript NM_002976.4 (MANE Select); coding-DNA position 4508, C replaced by T.
Protein change: p.Ser1503Phe; replaces serine 1503 with phenylalanine.
Molecular consequence: missense variant. On other transcripts: non-coding transcript variant (1).
Genome position (GRCh38, 1-based): chr2:166,406,121, G>A on the plus strand (C>T on the coding strand, the complement: SCN7A is on the minus strand). VCF-style: chr2-166406121-G-A. GRCh37 (hg19) VCF-style: chr2-167262631-G-A.
Other names: short protein forms S1503F.
Identifiers: ClinVar variation 3055155 (VCV003055155.2), dbSNP rs149649737, ClinGen allele CA1945029.
Genomic context (GRCh38, chr2:166,406,121, plus strand): 5'-TTCCATACCTGAAAGAATTTCCTAAAATCATCTTCACTCAAGGTCTTGTTTTTCTTCTTA[G>A]AAGCAATATTTAAAAACTCCATGACAACAACAATGTACATATTTACAATGATCAGCCATG-3'
Protein context (NP_002967.2, residues 1493-1513): VVVMEFLNIA[Ser1503Phe]KKKNKTLSED

ClinVar aggregate classification (germline): Likely benign (0 of 4 stars; one submission).

Conditions:
SCN7A-related disorder. Also called: SCN7A-related condition.

Allele frequency attached by ClinVar (database versions not stated): TOPMed 0.00012; ExAC 0.00021; gnomAD 0.00030; gnomAD exomes 0.00065; 1000 Genomes Project 30x 0.00094; 1000 Genomes Project 0.00120.
gnomAD v4.1: 961 of 1,611,582 alleles (0.06%); highest among the groups gnomAD compares: East Asian, 2%; 21 homozygotes.

Submission:

PreventionGenetics, part of Exact Sciences
Classification: Likely benign for SCN7A-related condition. Last evaluated: 2023-04-08. Review status: no assertion criteria provided. Collection method: clinical testing. Allele origin: germline.
Comment: This variant is classified as likely benign based on ACMG/AMP sequence variant interpretation guidelines (Richards et al. 2015 PMID: 25741868, with internal and published modifications).